The following is an entry in ClinVar:

ClinVar aggregate classification (germline): Pathogenic (1 of 4 stars; one submission).

Conditions:
X-linked severe combined immunodeficiency (SCIDX1). Also called: IMMUNODEFICIENCY 4; SCID, X-LINKED; SEVERE COMBINED IMMUNODEFICIENCY, X-LINKED, T CELL-NEGATIVE, B CELL-POSITIVE, NK CELL-NEGATIVE; T-B+ severe combined immunodeficiency due to gamma chain deficiency; X-Linked Combined Immunodeficiency Diseases. Identifiers: Orphanet 276, MedGen C6022468, MONDO:0010315, OMIM 300400. Disease mechanism: loss of function.

Submission:

Labcorp Genetics (formerly Invitae), Labcorp
Classification: Pathogenic for X-linked severe combined immunodeficiency. Last evaluated: 2025-01-18. Review status: criteria provided, single submitter. Criteria: Invitae Variant Classification Sherloc (09022015). Collection method: clinical testing. Allele origin: germline.
Comment: This sequence change creates a premature translational stop signal (p.Glu121Glyfs*47) in the IL2RG gene. It is expected to result in an absent or disrupted protein product. Loss-of-function variants in IL2RG are known to be pathogenic (PMID: 9058718, 10794430). This variant is not present in population databases (gnomAD no frequency). This premature translational stop signal has been observed in individual(s) with severe combined immunodeficiency (PMID: 9058718). This variant is also known as 373insA. ClinVar contains an entry for this variant (Variation ID: 1351468). For these reasons, this variant has been classified as Pathogenic.

Literature cited by the submitters: PubMed 9058718; PubMed 10794430.

NM_000206.3(IL2RG):c.359dup (p.Glu121fs)

Gene: IL2RG (interleukin 2 receptor subunit gamma; minus strand). Cytogenetic location: Xq13.1.
Variant type: Duplication.
Coding change: c.359dup on transcript NM_000206.3 (MANE Select); coding-DNA position 359, one base duplicated (A; older notation c.359dupA).
Protein change: p.Glu121fs; shifts the reading frame from glutamic acid 121.
Molecular consequence: frameshift variant.
Genome position (GRCh38, 1-based): chrX:71,110,599, T duplicated on the plus strand (A on the coding strand, the reverse complement: IL2RG is on the minus strand); the first of 7 consecutive T bases (chrX:71,110,599-71,110,605); duplicating any one gives the same sequence. VCF-style (leftmost placement, unchanged base first): chrX-71110598-C-CT. GRCh37 (hg19) VCF-style: chrX-70330448-C-CT.
Other names: short protein forms E121fs.
Identifiers: ClinVar variation 1351468 (VCV001351468.6), dbSNP rs2147750311, ClinGen allele CA2573159595.